The following is an entry in ClinVar:

ClinVar aggregate classification (germline): Benign. Review status: criteria provided, multiple submitters, no conflicts (2 of 4 stars). 8 submissions from 8 submitters: Benign (7). 1 of the submissions does not count toward it. Last evaluated 2026-02-01.

Conditions:
Congenital muscular dystrophy due to integrin alpha-7 deficiency. Also called: Congenital muscular dystrophy with integrin alpha-7 deficiency; MYOPATHY, CONGENITAL, DUE TO INTEGRIN ALPHA-7 DEFICIENCY; Muscular dystrophy, congenital, due to ITGA7 deficiency. Identifiers: Orphanet 34520, MedGen C2750786, MONDO:0013177, OMIM 613204.

Allele frequency attached by ClinVar (database versions not stated): 1000 Genomes Project 0.00978; 1000 Genomes Project 30x 0.01077; TOPMed 0.01337; gnomAD 0.01436 and 0.01446; gnomAD exomes 0.01617 and 0.02159; ExAC 0.01638; ESP Exome Variant Server 0.01845.
gnomAD v4.1: 33,474 of 1,612,240 alleles (2.1%); highest among the groups gnomAD compares: Non-Finnish European, 2.4%; 431 homozygotes.

Submissions (8):

Labcorp Genetics (formerly Invitae), Labcorp
Classification: Benign for Congenital muscular dystrophy due to integrin alpha-7 deficiency. Last evaluated: 2026-02-01. Review status: criteria provided, single submitter. Criteria: Invitae Variant Classification Sherloc (09022015). Collection method: clinical testing. Allele origin: germline.

Athena Diagnostics
Classification: Benign. Last evaluated: 2020-03-31. Review status: criteria provided, single submitter. Criteria: Athena Diagnostics Criteria. Collection method: clinical testing. Allele origin: unknown.

Mayo Clinic Laboratories, Mayo Clinic
Classification: Benign. Last evaluated: 2018-01-29. Review status: criteria provided, single submitter. Criteria: ACMG Guidelines, 2015. Collection method: clinical testing. Allele origin: germline. Observed: 20 variant alleles.

GeneDx
Classification: Benign. Last evaluated: 2016-03-29. Review status: criteria provided, single submitter. Criteria: GeneDx Variant Classification (06012015). Collection method: clinical testing. Allele origin: germline. Affected: yes.
Comment: This variant is considered likely benign or benign based on one or more of the following criteria: it is a conservative change, it occurs at a poorly conserved position in the protein, it is predicted to be benign by multiple in silico algorithms, and/or has population frequency not consistent with disease.

Eurofins Ntd Llc (ga)
Classification: Benign. Last evaluated: 2013-01-10. Review status: criteria provided, single submitter. Criteria: EGL Classification Definitions 2015. Collection method: clinical testing. Allele origin: germline. Observed: 1 variant allele, 1 heterozygote.

Breakthrough Genomics
Classification: Benign. Review status: criteria provided, single submitter. Criteria: ACMG Guidelines, 2015. Collection method: not provided. Allele origin: germline. Inheritance: Autosomal recessive inheritance. Affected: yes.

PreventionGenetics, part of Exact Sciences
Classification: Benign. Review status: criteria provided, single submitter. Criteria: ACMG Guidelines, 2015. Collection method: clinical testing. Allele origin: germline.

Genetic Services Laboratory, University of Chicago
Classification: Likely benign for AllHighlyPenetrant. Review status: no assertion criteria provided. Collection method: clinical testing. Allele origin: germline. Inheritance: Autosomal recessive inheritance. Not counted in ClinVar's aggregate classification.
Comment: Likely benign based on allele frequency in 1000 Genomes Project or ESP global frequency and its presence in a patient with a rare or unrelated disease phenotype. NOT Sanger confirmed.

NM_002206.3(ITGA7):c.1965T>C (p.Cys655=)

Gene: ITGA7 (integrin subunit alpha 7; minus strand). Cytogenetic location: 12q13.2.
Variant type: single nucleotide variant.
Coding change: c.1965T>C on transcript NM_002206.3 (MANE Select); coding-DNA position 1965, T replaced by C.
Protein change: p.Cys655=; no amino-acid change (cysteine 655 retained).
Molecular consequence: synonymous variant.
Genome position (GRCh38, 1-based): chr12:55,695,560, A>G on the plus strand (T>C on the coding strand, the complement: ITGA7 is on the minus strand). VCF-style: chr12-55695560-A-G. GRCh37 (hg19) VCF-style: chr12-56089344-A-G.
Other names: p.Cys655=; c.1977T>C, p.Cys659= (NM_001144996.2); c.1686T>C, p.Cys562= (NM_001144997.2); c.1638T>C, p.Cys546= (NM_001367993.1); c.621T>C, p.Cys207= (NM_001367994.1); c.1947T>C, p.Cys649= (NM_001374465.1); c.2097T>C, p.Cys699= (NM_001410977.1); c.1959T>C, p.Cys653= (NM_001414029.1); and 6 more.
Identifiers: ClinVar variation 94036 (VCV000094036.23), dbSNP rs7971022, ClinGen allele CA147556.